The following is an entry in ClinVar:

NM_032608.7(MYO18B):c.580G>A (p.Glu194Lys)

Gene: MYO18B (myosin XVIIIB; plus strand). Cytogenetic location: 22q12.1.
Variant type: single nucleotide variant.
Coding change: c.580G>A on transcript NM_032608.7 (MANE Select); coding-DNA position 580, G replaced by A.
Protein change: p.Glu194Lys; replaces glutamic acid 194 with lysine.
Molecular consequence: missense variant.
Genome position (GRCh38, 1-based): chr22:25,768,496, G>A. VCF-style: chr22-25768496-G-A. GRCh37 (hg19) VCF-style: chr22-26164463-G-A.
Other names: c.580G>A, p.Glu194Lys (NM_001318245.2); short protein forms E194K.
Identifiers: ClinVar variation 3620779 (VCV003620779.2).

ClinVar aggregate classification (germline): Uncertain significance (1 of 4 stars; one submission).

gnomAD v4.1: 1 of 1,605,858 alleles (0.000062%); highest among the groups gnomAD compares: South Asian, 0.0011%; no homozygotes.

Submission:

Labcorp Genetics (formerly Invitae), Labcorp
Classification: Uncertain significance. Last evaluated: 2024-12-03. Review status: criteria provided, single submitter. Criteria: Invitae Variant Classification Sherloc (09022015). Collection method: clinical testing. Allele origin: germline.
Comment: This sequence change replaces glutamic acid, which is acidic and polar, with lysine, which is basic and polar, at codon 194 of the MYO18B protein (p.Glu194Lys). This variant is not present in population databases (gnomAD no frequency). This variant has not been reported in the literature in individuals affected with MYO18B-related conditions. An algorithm developed to predict the effect of missense changes on protein structure and function outputs the following: PolyPhen-2: "Benign". The lysine amino acid residue is found in multiple mammalian species, which suggests that this missense change does not adversely affect protein function. In summary, the available evidence is currently insufficient to determine the role of this variant in disease. Therefore, it has been classified as a Variant of Uncertain Significance.